The following is an entry in ClinVar:

ClinVar aggregate classification (germline): Likely benign (0 of 4 stars; one submission).

Conditions:
PCDHA9-related disorder. Also called: PCDHA9-related condition.

Allele frequency attached by ClinVar (database versions not stated): gnomAD 0.00005.
gnomAD v4.1: 280 of 1,598,402 alleles (0.018%); highest among the groups gnomAD compares: South Asian, 0.3%; 16 homozygotes.

Submission:

PreventionGenetics, part of Exact Sciences
Classification: Likely benign for PCDHA9-related condition. Last evaluated: 2021-04-09. Review status: no assertion criteria provided. Collection method: clinical testing. Allele origin: germline.
Comment: This variant is classified as likely benign based on ACMG/AMP sequence variant interpretation guidelines (Richards et al. 2015 PMID: 25741868, with internal and published modifications).

NM_031857.2(PCDHA9):c.1320G>A (p.Arg440=)

Genes: PCDHA1 (protocadherin alpha 1; plus strand), PCDHA2 (protocadherin alpha 2; plus strand), PCDHA3 (protocadherin alpha 3; plus strand), PCDHA4 (protocadherin alpha 4; plus strand), PCDHA5 (protocadherin alpha 5; plus strand) and 5 more. Cytogenetic location: 5q31.3.
Variant type: single nucleotide variant.
Coding change: c.1320G>A on transcript NM_031857.2 (MANE Select); coding-DNA position 1320, G replaced by A.
Protein change: p.Arg440=; no amino-acid change (arginine 440 retained).
Molecular consequence: synonymous variant. On other transcripts: intron variant (10).
Genome position (GRCh38, 1-based): chr5:140,849,815, G>A. VCF-style: chr5-140849815-G-A. GRCh37 (hg19) VCF-style: chr5-140229400-G-A.
Other names: c.2394+6100G>A (NM_018911.3); c.1320G>A, p.Arg440= (NM_014005.5); c.2394+61131G>A (NM_018900.4); c.1602+61923G>A (NM_031411.3); c.2388+52463G>A (NM_018905.3); c.2394+46224G>A (NM_018906.3); c.2385+40243G>A (NM_018907.4); c.2352+25688G>A (NM_018908.3); and 3 more.
Identifiers: ClinVar variation 3031091 (VCV003031091.2), dbSNP rs553750365, ClinGen allele CA3450420.